The following is an entry in ClinVar:

NM_000226.4(KRT9):c.1679G>A (p.Gly560Glu)

Gene: KRT9 (keratin 9; minus strand). Cytogenetic location: 17q21.2.
Variant type: single nucleotide variant.
Coding change: c.1679G>A on transcript NM_000226.4 (MANE Select); coding-DNA position 1679, G replaced by A.
Protein change: p.Gly560Glu; replaces glycine 560 with glutamic acid.
Molecular consequence: missense variant.
Genome position (GRCh38, 1-based): chr17:41,567,466, C>T on the plus strand (G>A on the coding strand, the complement: KRT9 is on the minus strand). VCF-style: chr17-41567466-C-T. GRCh37 (hg19) VCF-style: chr17-39723718-C-T.
Other names: short protein forms G560E.
Identifiers: ClinVar variation 2955294 (VCV002955294.3), dbSNP rs2508715962, ClinGen allele CA399492716.
Genomic context (GRCh38, chr17:41,567,466, plus strand): 5'-CCCCTGGACCCACTTCCTCCACCATAGCCACCCCCACTTCCTCCTCCAGAGCCACTTCCT[C>T]CTCCATAGTTGCCCCCACTTCCTCCACTATGACCACCTCCACTTCCTCCGCTATGGCCAC-3'
Protein context (NP_000217.2, residues 550-570): HSGGSGGNYG[Gly560Glu]GSGSGGGSGG

ClinVar aggregate classification (germline): Uncertain significance (1 of 4 stars; one submission).

Allele frequency attached by ClinVar (database versions not stated): gnomAD exomes below 0.00001.
gnomAD v4.1: 2 of 1,552,756 alleles (0.00013%); highest among the groups gnomAD compares: East Asian, 0.0024%; no homozygotes.

Submission:

Labcorp Genetics (formerly Invitae), Labcorp
Classification: Uncertain significance. Last evaluated: 2023-03-01. Review status: criteria provided, single submitter. Criteria: Invitae Variant Classification Sherloc (09022015). Collection method: clinical testing. Allele origin: germline.
Comment: This sequence change replaces glycine, which is neutral and non-polar, with glutamic acid, which is acidic and polar, at codon 560 of the KRT9 protein (p.Gly560Glu). In summary, the available evidence is currently insufficient to determine the role of this variant in disease. Therefore, it has been classified as a Variant of Uncertain Significance. Advanced modeling of protein sequence and biophysical properties (such as structural, functional, and spatial information, amino acid conservation, physicochemical variation, residue mobility, and thermodynamic stability) performed at Invitae indicates that this missense variant is not expected to disrupt KRT9 protein function. This variant has not been reported in the literature in individuals affected with KRT9-related conditions. This variant is not present in population databases (gnomAD no frequency).